The following is an entry in ClinVar:

ClinVar aggregate classification (germline): Uncertain significance. Review status: criteria provided, multiple submitters, no conflicts (2 of 4 stars). 2 submissions from 2 submitters: Uncertain significance (2). Last evaluated 2025-06-12.

Conditions:
Inborn genetic diseases. Identifiers: MedGen C0950123, MeSH D030342.
Spinocerebellar ataxia type 42. Identifiers: Orphanet 458803, MedGen C4225205, MONDO:0014776, OMIM 616795.

Allele frequency attached by ClinVar (database versions not stated): TOPMed 0.00002.
gnomAD v4.1: 26 of 1,604,488 alleles (0.0016%); highest among the groups gnomAD compares: Non-Finnish European, 0.0021%; no homozygotes.

Submissions (2):

Ambry Genetics
Classification: Uncertain significance for Inborn genetic diseases. Last evaluated: 2025-06-12. Review status: criteria provided, single submitter. Criteria: Ambry Variant Classification Scheme 2023. Collection method: clinical testing. Allele origin: germline.

Diagnostics Services (NGS), CSIR - Centre For Cellular And Molecular Biology
Classification: Uncertain significance for Spinocerebellar ataxia type 42. Last evaluated: 2021-11-18. Review status: criteria provided, single submitter. Criteria: ACMG Guidelines, 2015. Collection method: clinical testing. Allele origin: unknown. Inheritance: Autosomal dominant inheritance. Affected: yes. Observed: 1 variant allele, 1 heterozygote.
Comment: The c.3182C>G variant is not present in publicly available population databases like 1000 Genomes, Exome Variant Server (EVS), Exome Aggregation Consortium (ExAC) and Genome Aggregation Database (gnomAD). The variant is not present in Indian Exome Database and in our in-house exome database. The variant was not earlier was reported to ClinVar, Human Genome Mutation Database (HGMD) and/or OMIM databases in any affected individuals. Predictions from different in-silico pathogenicity prediction programs like SIFT, PolyPhen-2, MutationTaster2, CADD, Varsome etc. are contradictory, however these predictions have not been confirmed by published functional studies.

NM_018896.5(CACNA1G):c.3182C>G (p.Ala1061Gly)

Gene: CACNA1G (calcium voltage-gated channel subunit alpha1 G; plus strand). Cytogenetic location: 17q21.33.
Variant type: single nucleotide variant.
Coding change: c.3182C>G on transcript NM_018896.5 (MANE Select); coding-DNA position 3182, C replaced by G.
Protein change: p.Ala1061Gly; replaces alanine 1061 with glycine.
Molecular consequence: missense variant. On other transcripts: non-coding transcript variant (5).
Genome position (GRCh38, 1-based): chr17:50,596,847, C>G. VCF-style: chr17-50596847-C-G. GRCh37 (hg19) VCF-style: chr17-48674208-C-G.
Other names: c.3182C>G, p.Ala1061Gly (NM_001256324.2, NM_001256325.2, NM_001256326.2 and 16 more transcripts); c.3113C>G, p.Ala1038Gly (NM_001256332.2, NM_198376.3, NM_198379.3 and 5 more transcripts); c.3182C>G (NM_018896.3); short protein forms A1038G, A1061G.
Identifiers: ClinVar variation 1329487 (VCV001329487.4), dbSNP rs781015006, ClinGen allele CA400252359.